The following is an entry in ClinVar:

NM_000093.5(COL5A1):c.4754G>A (p.Arg1585Gln)

Genes: COL5A1 (collagen type V alpha 1 chain; plus strand), LOC101448202 (uncharacterized LOC101448202; minus strand). Cytogenetic location: 9q34.3.
Variant type: single nucleotide variant.
Coding change: c.4754G>A on transcript NM_000093.5 (MANE Select); coding-DNA position 4754, G replaced by A.
Protein change: p.Arg1585Gln; replaces arginine 1585 with glutamine.
Molecular consequence: missense variant.
Genome position (GRCh38, 1-based): chr9:134,824,655, G>A. VCF-style: chr9-134824655-G-A. GRCh37 (hg19) VCF-style: chr9-137716501-G-A.
Other names: p.R1585Q:CGG>CAG; c.4754G>A, p.Arg1585Gln (NM_001278074.1); short protein forms R1585Q.
Identifiers: ClinVar variation 212989 (VCV000212989.16), dbSNP rs531431738, ClinGen allele CA323620.

ClinVar aggregate classification (germline): Conflicting classifications of pathogenicity. Review status: criteria provided, conflicting classifications (1 of 4 stars). 3 submissions from 3 submitters: Uncertain significance (2); Benign (1). Last evaluated 2025-11-25.

Conditions:
Ehlers-Danlos syndrome, classic type, 1 (EDSCL1). Also called: Ehlers-Danlos Syndrome, Classic Type, COL5A1-Related; EHLERS-DANLOS SYNDROME, GRAVIS TYPE; EHLERS-DANLOS SYNDROME, SEVERE CLASSIC TYPE; Ehlers-Danlos syndrome, type 1; EDS I. Identifiers: MedGen C0268335, MONDO:0019567, OMIM 130000.
Familial thoracic aortic aneurysm and aortic dissection (TAAD). Also called: Thoracic aortic aneurysms and dissections. Identifiers: Orphanet 91387, MedGen C4707243, MONDO:0019625.

gnomAD v4.1: 20 of 1,614,048 alleles (0.0012%); highest among the groups gnomAD compares: South Asian, 0.0055%; no homozygotes.

Submissions (3):

Labcorp Genetics (formerly Invitae), Labcorp
Classification: Benign for Ehlers-Danlos syndrome, classic type, 1. Last evaluated: 2025-11-25. Review status: criteria provided, single submitter. Criteria: Invitae Variant Classification Sherloc (09022015). Collection method: clinical testing. Allele origin: germline.

Ambry Genetics
Classification: Uncertain significance for Familial thoracic aortic aneurysm and aortic dissection. Last evaluated: 2025-08-12. Review status: criteria provided, single submitter. Criteria: Ambry Variant Classification Scheme 2023. Collection method: clinical testing. Allele origin: germline.
Comment: The p.R1585Q variant (also known as c.4754G>A), located in coding exon 62 of the COL5A1 gene, results from a G to A substitution at nucleotide position 4754. The arginine at codon 1585 is replaced by glutamine, an amino acid with highly similar properties. This amino acid position is highly conserved in available vertebrate species. In addition, the in silico prediction for this alteration is inconclusive. Based on the available evidence, the clinical significance of this variant remains unclear.

GeneDx
Classification: Uncertain significance. Last evaluated: 2023-10-10. Review status: criteria provided, single submitter. Criteria: GeneDx Variant Classification Process June 2021. Collection method: clinical testing. Allele origin: germline. Affected: yes.
Comment: Has not been previously published as pathogenic or benign to our knowledge; In silico analysis supports that this missense variant has a deleterious effect on protein structure/function; Not located in the triple helical region, where the majority of pathogenic missense variants occur (Symoens et al., 2012; HGMD)